The following is an entry in ClinVar:

NM_024422.6(DSC2):c.1110T>C (p.Asp370=)

Gene: DSC2 (desmocollin 2; minus strand). Cytogenetic location: 18q12.1.
Variant type: single nucleotide variant.
Coding change: c.1110T>C on transcript NM_024422.6 (MANE Select); coding-DNA position 1110, T replaced by C.
Protein change: p.Asp370=; no amino-acid change (aspartic acid 370 retained).
Molecular consequence: synonymous variant.
Genome position (GRCh38, 1-based): chr18:31,082,391, A>G on the plus strand (T>C on the coding strand, the complement: DSC2 is on the minus strand). VCF-style: chr18-31082391-A-G. GRCh37 (hg19) VCF-style: chr18-28662357-A-G.
Other names: c.1110T>C (NM_024422.4); c.1110T>C, p.Asp370= (NM_004949.5).
Identifiers: ClinVar variation 1633440 (VCV001633440.10), dbSNP rs1567977994, ClinGen allele CA503387369.

ClinVar aggregate classification (germline): Likely benign. Review status: criteria provided, multiple submitters, no conflicts (2 of 4 stars). 3 submissions from 3 submitters: Likely benign (3). Last evaluated 2025-04-09.

Conditions:
Arrhythmogenic right ventricular dysplasia 11. Also called: ARRHYTHMOGENIC RIGHT VENTRICULAR DYSPLASIA, FAMILIAL, 11; Arrhythmogenic right ventricular dysplasia 11 with mild palmoplantar keratoderma and woolly hair; Arrhythmogenic Right Ventricular Dysplasia/Cardiomyopathy11. Identifiers: MedGen C1864850, MONDO:0012506, OMIM 610476.

Allele frequency attached by ClinVar (database versions not stated): gnomAD exomes below 0.00001 and 0.00001; gnomAD 0.00001.
gnomAD v4.1: 6 of 1,613,632 alleles (0.00037%); highest among the groups gnomAD compares: East Asian, 0.0022%; no homozygotes.

Submissions (3):

Molecular Diagnostic Laboratory for Inherited Cardiovascular Disease, Montreal Heart Institute
Classification: Likely benign. Last evaluated: 2025-04-09. Review status: criteria provided, single submitter. Criteria: ACMG Guidelines, 2015. Collection method: clinical testing. Allele origin: germline. Affected: no.
Comment: PM2;BP7

Blueprint Genetics
Classification: Likely benign. Last evaluated: 2024-03-13. Review status: criteria provided, single submitter. Criteria: ACMG Guidelines, 2015. Collection method: clinical testing. Allele origin: germline.

Labcorp Genetics (formerly Invitae), Labcorp
Classification: Likely benign for Arrhythmogenic right ventricular dysplasia 11. Last evaluated: 2023-04-20. Review status: criteria provided, single submitter. Criteria: Invitae Variant Classification Sherloc (09022015). Collection method: clinical testing. Allele origin: germline.